The following is an entry in ClinVar:

NM_001148.6(ANK2):c.8266G>T (p.Asp2756Tyr)

Gene: ANK2 (ankyrin 2; plus strand). Cytogenetic location: 4q26.
Variant type: single nucleotide variant.
Coding change: c.8266G>T on transcript NM_001148.6 (MANE Select); coding-DNA position 8266, G replaced by T.
Protein change: p.Asp2756Tyr; replaces aspartic acid 2756 with tyrosine.
Molecular consequence: missense variant. On other transcripts: intron variant (68).
Genome position (GRCh38, 1-based): chr4:113,356,884, G>T. VCF-style: chr4-113356884-G-T. GRCh37 (hg19) VCF-style: chr4-114278040-G-T.
Other names: c.8032G>T, p.Asp2678Tyr (NM_001386142.1); c.4666G>T, p.Asp1556Tyr (NM_001386166.1); c.8407G>T, p.Asp2803Tyr (NM_001386174.1); c.8383G>T, p.Asp2795Tyr (NM_001386175.1); c.4412-3939G>T (NM_001386186.2, NM_001386148.2); c.4214-3939G>T (NM_001354269.3); c.4292-3939G>T (NM_001386187.2); c.4253-3939G>T (NM_001386147.1); and 35 more; short protein forms D2756Y, D2795Y, D2803Y, D2678Y, D1556Y.
Identifiers: ClinVar variation 2085593 (VCV002085593.6), dbSNP rs755000290, ClinGen allele CA3051742.

ClinVar aggregate classification (germline): Uncertain significance. Review status: criteria provided, multiple submitters, no conflicts (2 of 4 stars). 3 submissions from 3 submitters: Uncertain significance (3). Last evaluated 2025-08-03.

Conditions:
Long QT syndrome (LQTS). Identifiers: MedGen C0023976, MeSH D008133, MONDO:0002442. Disease mechanism: loss of function. Inheritance: Various modes of inheritance.
Cardiovascular phenotype. Identifiers: MedGen CN230736.

Allele frequency attached by ClinVar (database versions not stated): TOPMed below 0.00001; gnomAD exomes 0.00001; ExAC 0.00006.
gnomAD v4.1: 16 of 1,614,060 alleles (0.00099%); highest among the groups gnomAD compares: Non-Finnish European, 0.001%; no homozygotes.

Submissions (3):

Ambry Genetics
Classification: Uncertain significance for Cardiovascular phenotype. Last evaluated: 2025-08-03. Review status: criteria provided, single submitter. Criteria: Ambry Variant Classification Scheme 2023. Collection method: clinical testing. Allele origin: germline.
Comment: The p.D2756Y variant (also known as c.8266G>T), located in coding exon 38 of the ANK2 gene, results from a G to T substitution at nucleotide position 8266. The aspartic acid at codon 2756 is replaced by tyrosine, an amino acid with highly dissimilar properties. This amino acid position is conserved. In addition, this alteration is predicted to be tolerated by in silico analysis. Based on the available evidence, the clinical significance of this variant remains unclear.

GeneDx
Classification: Uncertain significance. Last evaluated: 2023-06-13. Review status: criteria provided, single submitter. Criteria: GeneDx Variant Classification Process June 2021. Collection method: clinical testing. Allele origin: germline. Affected: yes.
Comment: Has not been previously published as pathogenic or benign to our knowledge; Located in exon 38, which is reported as being expressed in a brain-specific transcript (Otto et al, 1991; Cunha et al, 2008; Wu et al, 2015); In silico analysis supports that this missense variant does not alter protein structure/function

Labcorp Genetics (formerly Invitae), Labcorp
Classification: Uncertain significance for Long QT syndrome. Last evaluated: 2022-05-07. Review status: criteria provided, single submitter. Criteria: Invitae Variant Classification Sherloc (09022015). Collection method: clinical testing. Allele origin: germline.
Comment: In summary, the available evidence is currently insufficient to determine the role of this variant in disease. Therefore, it has been classified as a Variant of Uncertain Significance. Algorithms developed to predict the effect of missense changes on protein structure and function (SIFT, PolyPhen-2, Align-GVGD) all suggest that this variant is likely to be tolerated. This variant has not been reported in the literature in individuals affected with ANK2-related conditions. This variant is present in population databases (rs755000290, gnomAD 0.006%). This sequence change replaces aspartic acid, which is acidic and polar, with tyrosine, which is neutral and polar, at codon 2756 of the ANK2 protein (p.Asp2756Tyr).